The following is an entry in ClinVar:

ClinVar aggregate classification (germline): Likely benign. Review status: criteria provided, multiple submitters, no conflicts (2 of 4 stars). 2 submissions from 2 submitters: Likely benign (2). Last evaluated 2025-12-30.

Allele frequency attached by ClinVar (database versions not stated): gnomAD exomes 0.00002 and 0.00018; ExAC 0.00003; gnomAD 0.00003; TOPMed 0.00005; ESP Exome Variant Server 0.00017.
gnomAD v4.1: 264 of 1,613,184 alleles (0.016%); highest among the groups gnomAD compares: Non-Finnish European, 0.022%; no homozygotes.

Submissions (2):

Labcorp Genetics (formerly Invitae), Labcorp
Classification: Likely benign. Last evaluated: 2025-12-30. Review status: criteria provided, single submitter. Criteria: Invitae Variant Classification Sherloc (09022015). Collection method: clinical testing. Allele origin: germline.

GeneDx
Classification: Likely benign. Last evaluated: 2017-06-26. Review status: criteria provided, single submitter. Criteria: GeneDx Variant Classification (06012015). Collection method: clinical testing. Allele origin: germline. Affected: yes.
Comment: This variant is considered likely benign or benign based on one or more of the following criteria: it is a conservative change, it occurs at a poorly conserved position in the protein, it is predicted to be benign by multiple in silico algorithms, and/or has population frequency not consistent with disease.

NM_001080449.3(DNA2):c.1116T>C (p.Ser372=)

Gene: DNA2 (DNA replication helicase/nuclease 2; minus strand). Cytogenetic location: 10q21.3.
Variant type: single nucleotide variant.
Coding change: c.1116T>C on transcript NM_001080449.3 (MANE Select); coding-DNA position 1116, T replaced by C.
Protein change: p.Ser372=; no amino-acid change (serine 372 retained).
Molecular consequence: synonymous variant. On other transcripts: non-coding transcript variant (1).
Genome position (GRCh38, 1-based): chr10:68,445,025, A>G on the plus strand (T>C on the coding strand, the complement: DNA2 is on the minus strand). VCF-style: chr10-68445025-A-G. GRCh37 (hg19) VCF-style: chr10-70204782-A-G.
Identifiers: ClinVar variation 518061 (VCV000518061.5), dbSNP rs368778086, ClinGen allele CA5525128.